The following is an entry in ClinVar:

ClinVar aggregate classification (germline): Uncertain significance (1 of 4 stars; one submission).

Submission:

GeneDx
Classification: Uncertain significance. Last evaluated: 2025-02-26. Review status: criteria provided, single submitter. Criteria: GeneDx Variant Classification Process June 2021. Collection method: clinical testing. Allele origin: germline. Affected: yes.
Comment: Not observed at significant frequency in large population cohorts (gnomAD); In silico analysis indicates that this missense variant does not alter protein structure/function; Has not been previously published as pathogenic or benign to our knowledge

NM_001330574.2(ZNF711):c.418C>G (p.His140Asp)

Gene: ZNF711 (zinc finger protein 711; plus strand). Cytogenetic location: Xq21.1.
Variant type: single nucleotide variant.
Coding change: c.418C>G on transcript NM_001330574.2 (MANE Select); coding-DNA position 418, C replaced by G.
Protein change: p.His140Asp; replaces histidine 140 with aspartic acid.
Molecular consequence: missense variant.
Genome position (GRCh38, 1-based): chrX:85,255,597, C>G. VCF-style: chrX-85255597-C-G. GRCh37 (hg19) VCF-style: chrX-84510603-C-G.
Other names: c.418C>G, p.His140Asp (NM_001375431.1, NM_001375432.1, NM_001375433.1 and 5 more transcripts); short protein forms H140D.
Identifiers: ClinVar variation 4077352 (VCV004077352.1).